The following is an entry in ClinVar:

NM_001378454.1(ALMS1):c.12367T>G (p.Tyr4123Asp)

Gene: ALMS1 (ALMS1 centrosome and basal body associated protein; plus strand). Cytogenetic location: 2p13.1.
Variant type: single nucleotide variant.
Coding change: c.12367T>G on transcript NM_001378454.1 (MANE Select); coding-DNA position 12367, T replaced by G.
Protein change: p.Tyr4123Asp; replaces tyrosine 4123 with aspartic acid.
Molecular consequence: missense variant.
Genome position (GRCh38, 1-based): chr2:73,608,479, T>G. VCF-style: chr2-73608479-T-G. GRCh37 (hg19) VCF-style: chr2-73835606-T-G.
Other names: c.12370T>G, p.Tyr4124Asp (NM_015120.4); short protein forms Y4123D, Y4124D.
Identifiers: ClinVar variation 1065782 (VCV001065782.7), dbSNP rs963466695, ClinGen allele CA50342513.

ClinVar aggregate classification (germline): Uncertain significance. Review status: criteria provided, multiple submitters, no conflicts (2 of 4 stars). 4 submissions from 4 submitters: Uncertain significance (4). Last evaluated 2021-08-24.

Conditions:
Alstrom syndrome (ALMS). Identifiers: Orphanet 64, MedGen C0268425, MONDO:0008763, OMIM 203800.
Cardiovascular phenotype. Identifiers: MedGen CN230736.

Allele frequency attached by ClinVar (database versions not stated): gnomAD 0.00001.
gnomAD v4.1: 1 of 1,613,264 alleles (0.000062%); highest among the groups gnomAD compares: Non-Finnish European, 0.000085%; no homozygotes.

Submissions (4):

Labcorp Genetics (formerly Invitae), Labcorp
Classification: Uncertain significance for Alstrom syndrome. Last evaluated: 2021-08-24. Review status: criteria provided, single submitter. Criteria: Invitae Variant Classification Sherloc (09022015). Collection method: clinical testing. Allele origin: germline.
Comment: This sequence change replaces tyrosine with aspartic acid at codon 4124 of the ALMS1 protein (p.Tyr4124Asp). The tyrosine residue is highly conserved and there is a large physicochemical difference between tyrosine and aspartic acid. This variant is not present in population databases (ExAC no frequency). This variant has not been reported in the literature in individuals affected with ALMS1-related conditions. Experimental studies and prediction algorithms are not available or were not evaluated, and the functional significance of this variant is currently unknown. In summary, the available evidence is currently insufficient to determine the role of this variant in disease. Therefore, it has been classified as a Variant of Uncertain Significance.

Ocular Genomics Institute, Massachusetts Eye and Ear
Classification: Uncertain significance for Alstrom syndrome. Last evaluated: 2021-04-08. Review status: criteria provided, single submitter. Criteria: ACMG Guidelines, 2015. Collection method: research. Allele origin: germline. Affected: yes.
Comment: Through a review of available evidence we were able to apply the following criteria: PM2. Based on this evidence we have classified this variant as Variant of Uncertain Significance.

Ambry Genetics
Classification: Uncertain significance for Cardiovascular phenotype. Last evaluated: 2019-11-11. Review status: criteria provided, single submitter. Criteria: Ambry Variant Classification Scheme 2023. Collection method: clinical testing. Allele origin: germline.
Comment: The p.Y4124D variant (also known as c.12370T>G), located in coding exon 22 of the ALMS1 gene, results from a T to G substitution at nucleotide position 12370. The tyrosine at codon 4124 is replaced by aspartic acid, an amino acid with highly dissimilar properties. This amino acid position is highly conserved in available vertebrate species. In addition, this alteration is predicted to be deleterious by in silico analysis. Since supporting evidence is limited at this time, the clinical significance of this alteration remains unclear.

Blueprint Genetics
Classification: Uncertain significance. Last evaluated: 2019-04-30. Review status: criteria provided, single submitter. Criteria: ACMG Guidelines, 2015. Collection method: clinical testing. Allele origin: germline.